The following is an entry in ClinVar:

NM_001012759.3(CTU2):c.1280G>A (p.Arg427Gln)

Gene: CTU2 (cytosolic thiouridylase subunit 2; plus strand). Cytogenetic location: 16q24.3.
Variant type: single nucleotide variant.
Coding change: c.1280G>A on transcript NM_001012759.3 (MANE Select); coding-DNA position 1280, G replaced by A.
Protein change: p.Arg427Gln; replaces arginine 427 with glutamine.
Molecular consequence: missense variant.
Genome position (GRCh38, 1-based): chr16:88,714,665, G>A. VCF-style: chr16-88714665-G-A. GRCh37 (hg19) VCF-style: chr16-88781073-G-A.
Other names: c.1280G>A (NM_001012759.2); c.1280G>A, p.Arg427Gln (NM_001012762.3); c.1493G>A, p.Arg498Gln (NM_001318507.2); c.1019G>A, p.Arg340Gln (NM_001318513.2); short protein forms R340Q, R427Q, R498Q.
Identifiers: ClinVar variation 1599335 (VCV001599335.11), dbSNP rs11549835, ClinGen allele CA8230989.

ClinVar aggregate classification (germline): Benign. Review status: criteria provided, multiple submitters, no conflicts (2 of 4 stars). 3 submissions from 3 submitters: Benign (2). 1 of the submissions does not count toward it. Last evaluated 2026-02-01.

Conditions:
CTU2-related disorder. Also called: CTU2-related condition.

Allele frequency attached by ClinVar (database versions not stated): 1000 Genomes Project 30x 0.03982; ExAC 0.09932; gnomAD exomes 0.09551 and 0.12919; ESP Exome Variant Server 0.10182; 1000 Genomes Project 0.03974; gnomAD 0.09232 and 0.09541; TOPMed 0.08245.
gnomAD v4.1: 201,115 of 1,612,306 alleles (12%); highest among the groups gnomAD compares: Non-Finnish European, 15%; 14,520 homozygotes.

Submissions (3):

Labcorp Genetics (formerly Invitae), Labcorp
Classification: Benign. Last evaluated: 2026-02-01. Review status: criteria provided, single submitter. Criteria: Invitae Variant Classification Sherloc (09022015). Collection method: clinical testing. Allele origin: germline.

Breakthrough Genomics
Classification: Benign. Review status: criteria provided, single submitter. Criteria: ACMG Guidelines, 2015. Collection method: not provided. Allele origin: germline. Inheritance: Autosomal recessive inheritance. Affected: yes.

PreventionGenetics, part of Exact Sciences
Classification: Benign for CTU2-related condition. Last evaluated: 2019-10-28. Review status: no assertion criteria provided. Collection method: clinical testing. Allele origin: germline. Not counted in ClinVar's aggregate classification.
Comment: This variant is classified as benign based on ACMG/AMP sequence variant interpretation guidelines (Richards et al. 2015 PMID: 25741868, with internal and published modifications).